The following is an entry in ClinVar:

ClinVar aggregate classification (germline): Uncertain significance (1 of 4 stars; one submission).

Submission:

Labcorp Genetics (formerly Invitae), Labcorp
Classification: Uncertain significance. Last evaluated: 2023-12-31. Review status: criteria provided, single submitter. Criteria: Invitae Variant Classification Sherloc (09022015). Collection method: clinical testing. Allele origin: germline.
Comment: This sequence change replaces glycine, which is neutral and non-polar, with arginine, which is basic and polar, at codon 1518 of the CACNA1D protein (p.Gly1518Arg). This variant is not present in population databases (gnomAD no frequency). This variant has not been reported in the literature in individuals affected with CACNA1D-related conditions. An algorithm developed to predict the effect of missense changes on protein structure and function (PolyPhen-2) suggests that this variant is likely to be disruptive. In summary, the available evidence is currently insufficient to determine the role of this variant in disease. Therefore, it has been classified as a Variant of Uncertain Significance.

NM_001128840.3(CACNA1D):c.4492G>A (p.Gly1498Arg)

Gene: CACNA1D (calcium voltage-gated channel subunit alpha1 D; plus strand). Cytogenetic location: 3p21.1.
Variant type: single nucleotide variant.
Coding change: c.4492G>A on transcript NM_001128840.3 (MANE Select); coding-DNA position 4492, G replaced by A.
Protein change: p.Gly1498Arg; replaces glycine 1498 with arginine.
Molecular consequence: missense variant.
Genome position (GRCh38, 1-based): chr3:53,776,861, G>A. VCF-style: chr3-53776861-G-A. GRCh37 (hg19) VCF-style: chr3-53810888-G-A.
Other names: c.4552G>A, p.Gly1518Arg (NM_000720.4); c.4447G>A, p.Gly1483Arg (NM_001128839.3); short protein forms G1498R, G1518R, G1483R.
Identifiers: ClinVar variation 2706797 (VCV002706797.3), dbSNP rs2474256645, ClinGen allele CA353243784.